The following is an entry in ClinVar:

NM_001130144.3(LTBP3):c.1951G>T (p.Val651Leu)

Genes: LTBP3 (latent transforming growth factor beta binding protein 3; minus strand), LOC130006032 (ATAC-STARR-seq lymphoblastoid silent region 3535; plus strand). Cytogenetic location: 11q13.1.
Variant type: single nucleotide variant.
Coding change: c.1951G>T on transcript NM_001130144.3 (MANE Select); coding-DNA position 1951, G replaced by T.
Protein change: p.Val651Leu; replaces valine 651 with leucine.
Molecular consequence: missense variant.
Genome position (GRCh38, 1-based): chr11:65,547,717, C>A on the plus strand (G>T on the coding strand, the complement: LTBP3 is on the minus strand). VCF-style: chr11-65547717-C-A. GRCh37 (hg19) VCF-style: chr11-65315188-C-A.
Other names: c.1600G>T, p.Val534Leu (NM_001164266.1); c.1951G>T, p.Val651Leu (NM_021070.4); short protein forms V651L, V534L.
Identifiers: ClinVar variation 4841383 (VCV004841383.1).

ClinVar aggregate classification (germline): Uncertain significance (1 of 4 stars; one submission).

Conditions:
Inborn genetic diseases. Identifiers: MedGen C0950123, MeSH D030342.

Submission:

Ambry Genetics
Classification: Uncertain significance for Inborn genetic diseases. Last evaluated: 2026-01-12. Review status: criteria provided, single submitter. Criteria: Ambry Variant Classification Scheme 2023. Collection method: clinical testing. Allele origin: germline.
Comment: The p.V651L variant (also known as c.1951G>T), located in coding exon 13 of the LTBP3 gene, results from a G to T substitution at nucleotide position 1951. The valine at codon 651 is replaced by leucine, an amino acid with highly similar properties. This amino acid position is conserved. In addition, this alteration is predicted to be tolerated by in silico analysis. Based on the available evidence, the clinical significance of this variant remains unclear.